The following is an entry in ClinVar:

NM_001143981.2(CHRDL1):c.368A>G (p.Tyr123Cys)

Gene: CHRDL1 (chordin like 1; minus strand). Cytogenetic location: Xq23.
Variant type: single nucleotide variant.
Coding change: c.368A>G on transcript NM_001143981.2 (MANE Select); coding-DNA position 368, A replaced by G.
Protein change: p.Tyr123Cys; replaces tyrosine 123 with cysteine.
Molecular consequence: missense variant. On other transcripts: non-coding transcript variant (1), intron variant (1).
Genome position (GRCh38, 1-based): chrX:110,721,464, T>C on the plus strand (A>G on the coding strand, the complement: CHRDL1 is on the minus strand). VCF-style: chrX-110721464-T-C. GRCh37 (hg19) VCF-style: chrX-109964692-T-C.
Other names: c.368A>G, p.Tyr123Cys (NM_001367208.1, NM_001367209.1, NM_001367204.1 and 2 more transcripts); c.365A>G, p.Tyr122Cys (NM_145234.4, NM_001143982.2, NM_001367207.1); c.302-20743A>G (NM_001143983.3); short protein forms Y122C, Y123C.
Identifiers: ClinVar variation 3373404 (VCV003373404.1).

ClinVar aggregate classification (germline): Uncertain significance (1 of 4 stars; one submission).

Submission:

GeneDx
Classification: Uncertain significance. Last evaluated: 2024-05-01. Review status: criteria provided, single submitter. Criteria: GeneDx Variant Classification Process June 2021. Collection method: clinical testing. Allele origin: germline. Affected: yes.
Comment: Not observed at significant frequency in large population cohorts (gnomAD); In silico analysis supports that this missense variant has a deleterious effect on protein structure/function; Has not been previously published as pathogenic or benign to our knowledge